The following is an entry in ClinVar:

NM_173598.6(KSR2):c.1189C>T (p.Arg397Cys)

Gene: KSR2 (kinase suppressor of ras 2; minus strand). Cytogenetic location: 12q24.22.
Variant type: single nucleotide variant.
Coding change: c.1189C>T on transcript NM_173598.6 (MANE Select); coding-DNA position 1189, C replaced by T.
Protein change: p.Arg397Cys; replaces arginine 397 with cysteine.
Molecular consequence: missense variant.
Genome position (GRCh38, 1-based): chr12:117,582,342, G>A on the plus strand (C>T on the coding strand, the complement: KSR2 is on the minus strand). VCF-style: chr12-117582342-G-A. GRCh37 (hg19) VCF-style: chr12-118020147-G-A.
Other names: short protein forms R397C.
Identifiers: ClinVar variation 2634214 (VCV002634214.2), dbSNP rs371678268, ClinGen allele CA6816108.

ClinVar aggregate classification (germline): Uncertain significance (0 of 4 stars; one submission).

Conditions:
KSR2-related disorder. Also called: KSR2-related condition.

Allele frequency attached by ClinVar (database versions not stated): ExAC 0.00003; gnomAD 0.00013; ESP Exome Variant Server 0.00016.
gnomAD v4.1: 40 of 1,613,588 alleles (0.0025%); highest among the groups gnomAD compares: African/African-American, 0.029%; no homozygotes.

Submission:

PreventionGenetics, part of Exact Sciences
Classification: Uncertain significance for KSR2-related condition. Last evaluated: 2024-09-11. Review status: no assertion criteria provided. Collection method: clinical testing. Allele origin: germline.
Comment: The KSR2 c.1102C>T variant is predicted to result in the amino acid substitution p.Arg368Cys. To our knowledge, this variant has not been reported in the literature. This variant is reported in 0.021% of alleles in individuals of African descent in gnomAD. An alternate missense change at the same amino acid position has been reported in an affected individual (Reported as NM_173598.6:c.1190G>A p.Arg397His; Pearce et al. 2013. PubMed ID: 24209692). At this time, the clinical significance of this variant is uncertain due to the absence of conclusive functional and genetic evidence.